The following is an entry in ClinVar:

ClinVar aggregate classification (germline): Likely pathogenic (1 of 4 stars; one submission).

Submission:

GeneDx
Classification: Likely pathogenic. Last evaluated: 2015-09-28. Review status: criteria provided, single submitter. Criteria: GeneDx Variant Classification (06012015). Collection method: clinical testing. Allele origin: germline. Affected: yes.
Comment: The F84L variant in the TBX5 gene has not been published as a pathogenic variant, nor has it been reported as a benign polymorphism to our knowledge. The F84L variant was not observed in approximately 6500 individuals of European and African American ancestry in the NHLBI Exome Sequencing Project, indicating it is not a common benign variant in these populations. The F84L variant is a conservative amino acid substitution, which occurs within the T-box DNA binding domain at a position that is conserved across species. In silico analysis predicts this variant is probably damaging to the protein structure/function. Missense pathogenic variants in nearby residues (M74I, M74V, G80R, V89E and L94R) have been reported in the Human Gene Mutation Database in association with Holt-Oram syndrome (Stenson et al., 2014), supporting the functional importance of this region of the protein.The F84L variant is a strong candidate for a disease-causing mutation,

NM_181486.4(TBX5):c.250T>C (p.Phe84Leu)

Gene: TBX5 (T-box transcription factor 5; minus strand). Cytogenetic location: 12q24.21.
Variant type: single nucleotide variant.
Coding change: c.250T>C on transcript NM_181486.4 (MANE Select); coding-DNA position 250, T replaced by C.
Protein change: p.Phe84Leu; replaces phenylalanine 84 with leucine.
Molecular consequence: missense variant.
Genome position (GRCh38, 1-based): chr12:114,399,625, A>G on the plus strand (T>C on the coding strand, the complement: TBX5 is on the minus strand). VCF-style: chr12-114399625-A-G. GRCh37 (hg19) VCF-style: chr12-114837430-A-G.
Other names: c.250T>C, p.Phe84Leu (NM_000192.3); c.100T>C, p.Phe34Leu (NM_080717.4); short protein forms F84L, F34L.
Identifiers: ClinVar variation 429568 (VCV000429568.2), dbSNP rs1131691460, ClinGen allele CA386862921.